The following is an entry in ClinVar:

NM_001394372.1(BICRA):c.4549C>T (p.Arg1517Trp)

Gene: BICRA (BRD4 interacting chromatin remodeling complex associated protein; plus strand). Cytogenetic location: 19q13.33.
Variant type: single nucleotide variant.
Coding change: c.4549C>T on transcript NM_001394372.1 (MANE Select); coding-DNA position 4549, C replaced by T.
Protein change: p.Arg1517Trp; replaces arginine 1517 with tryptophan.
Molecular consequence: missense variant.
Genome position (GRCh38, 1-based): chr19:47,702,281, C>T. VCF-style: chr19-47702281-C-T. GRCh37 (hg19) VCF-style: chr19-48205538-C-T.
Other names: c.4549C>T, p.Arg1517Trp (NM_015711.3); short protein forms R1517W.
Identifiers: ClinVar variation 3375382 (VCV003375382.1).

ClinVar aggregate classification (germline): Uncertain significance (1 of 4 stars; one submission).

gnomAD v4.1: 2 of 1,594,490 alleles (0.00013%); highest among the groups gnomAD compares: South Asian, 0.0011%; no homozygotes.

Submission:

Women's Health and Genetics/Laboratory Corporation of America, LabCorp
Classification: Uncertain significance. Last evaluated: 2024-09-19. Review status: criteria provided, single submitter. Criteria: LabCorp Variant Classification Summary - May 2015. Collection method: clinical testing. Allele origin: germline.
Comment: Variant summary: BICRA c.4549C>T (p.Arg1517Trp) results in a non-conservative amino acid change in the encoded protein sequence. Three of five in-silico tools predict a damaging effect of the variant on protein function. The variant was absent in 221522 control chromosomes. The available data on variant occurrences in the general population are insufficient to allow any conclusion about variant significance. To our knowledge, no occurrence of c.4549C>T in individuals affected with Coffin-Siris Syndrome 12 and no experimental evidence demonstrating its impact on protein function have been reported. No submitters have cited clinical-significance assessments for this variant to ClinVar. Based on the evidence outlined above, the variant was classified as uncertain significance.